The following is an entry in ClinVar:

NM_005148.4(UNC119):c.478C>T (p.Arg160Cys)

Gene: UNC119 (unc-119 lipid binding chaperone; minus strand). Cytogenetic location: 17q11.2.
Variant type: single nucleotide variant.
Coding change: c.478C>T on transcript NM_005148.4 (MANE Select); coding-DNA position 478, C replaced by T.
Protein change: p.Arg160Cys; replaces arginine 160 with cysteine.
Molecular consequence: missense variant.
Genome position (GRCh38, 1-based): chr17:28,547,809, G>A on the plus strand (C>T on the coding strand, the complement: UNC119 is on the minus strand). VCF-style: chr17-28547809-G-A. GRCh37 (hg19) VCF-style: chr17-26874827-G-A.
Other names: c.193C>T, p.Arg65Cys (NM_001330166.2); c.478C>T, p.Arg160Cys (NM_054035.2); short protein forms R65C, R160C.
Identifiers: ClinVar variation 956655 (VCV000956655.6), dbSNP rs780605701, ClinGen allele CA8459770.
Genomic context (GRCh38, chr17:28,547,809, plus strand): 5'-CAAAGTGGAAGTCGAAGCTTTTGAGTAGCTGGTTGCGGAAGTAGTGCCTCTCGATCATGC[G>A]GAAGTTGTTGACAGGCTTGTCTCCCACTGTGAACTCCACCCTGAGCAAGAAAAGGAGGCA-3'
Protein context (NP_005139.1, residues 150-170): TVGDKPVNNF[Arg160Cys]MIERHYFRNQ

ClinVar aggregate classification (germline): Uncertain significance (1 of 4 stars; one submission).

Allele frequency attached by ClinVar (database versions not stated): gnomAD exomes below 0.00001 and 0.00001; TOPMed below 0.00001; ExAC 0.00001; gnomAD 0.00001.

Submission:

Labcorp Genetics (formerly Invitae), Labcorp
Classification: Uncertain significance. Last evaluated: 2024-01-16. Review status: criteria provided, single submitter. Criteria: Invitae Variant Classification Sherloc (09022015). Collection method: clinical testing. Allele origin: germline.
Comment: This sequence change replaces arginine, which is basic and polar, with cysteine, which is neutral and slightly polar, at codon 160 of the UNC119 protein (p.Arg160Cys). This variant is present in population databases (rs780605701, gnomAD 0.0009%). This variant has not been reported in the literature in individuals affected with UNC119-related conditions. ClinVar contains an entry for this variant (Variation ID: 956655). An algorithm developed to predict the effect of missense changes on protein structure and function (PolyPhen-2) suggests that this variant is likely to be disruptive. In summary, the available evidence is currently insufficient to determine the role of this variant in disease. Therefore, it has been classified as a Variant of Uncertain Significance.